The following is an entry in ClinVar:

NM_032603.5(LOXL3):c.2011C>G (p.Arg671Gly)

Gene: LOXL3 (lysyl oxidase like 3; minus strand). Cytogenetic location: 2p13.1.
Variant type: single nucleotide variant.
Coding change: c.2011C>G on transcript NM_032603.5 (MANE Select); coding-DNA position 2011, C replaced by G.
Protein change: p.Arg671Gly; replaces arginine 671 with glycine.
Molecular consequence: missense variant.
Genome position (GRCh38, 1-based): chr2:74,534,165, G>C on the plus strand (C>G on the coding strand, the complement: LOXL3 is on the minus strand). VCF-style: chr2-74534165-G-C. GRCh37 (hg19) VCF-style: chr2-74761292-G-C.
Other names: c.1576C>G, p.Arg526Gly (NM_001289164.3); c.928C>G, p.Arg310Gly (NM_001289165.2); short protein forms R310G, R671G, R526G.
Identifiers: ClinVar variation 1364253 (VCV001364253.8), dbSNP rs368539606, ClinGen allele CA1728735.

ClinVar aggregate classification (germline): Uncertain significance (1 of 4 stars; one submission).

gnomAD v4.1: 1 of 1,614,146 alleles (0.000062%); highest among the groups gnomAD compares: Admixed American, 0.0017%; no homozygotes.

Submission:

Labcorp Genetics (formerly Invitae), Labcorp
Classification: Uncertain significance. Last evaluated: 2024-11-14. Review status: criteria provided, single submitter. Criteria: Invitae Variant Classification Sherloc (09022015). Collection method: clinical testing. Allele origin: germline.
Comment: This sequence change replaces arginine, which is basic and polar, with glycine, which is neutral and non-polar, at codon 671 of the LOXL3 protein (p.Arg671Gly). This variant is present in population databases (rs368539606, gnomAD 0.003%). This variant has not been reported in the literature in individuals affected with LOXL3-related conditions. ClinVar contains an entry for this variant (Variation ID: 1364253). An algorithm developed to predict the effect of missense changes on protein structure and function (PolyPhen-2) suggests that this variant is likely to be disruptive. In summary, the available evidence is currently insufficient to determine the role of this variant in disease. Therefore, it has been classified as a Variant of Uncertain Significance.